The following is an entry in ClinVar:

NM_181078.3(IL21R):c.1049G>A (p.Ser350Asn)

Genes: IL21R (interleukin 21 receptor; plus strand), IL21R-AS1 (IL21R antisense RNA 1; minus strand). Cytogenetic location: 16p12.1.
Variant type: single nucleotide variant.
Coding change: c.1049G>A on transcript NM_181078.3 (MANE Select); coding-DNA position 1049, G replaced by A.
Protein change: p.Ser350Asn; replaces serine 350 with asparagine.
Molecular consequence: missense variant. On other transcripts: non-coding transcript variant (1).
Genome position (GRCh38, 1-based): chr16:27,448,715, G>A. VCF-style: chr16-27448715-G-A. GRCh37 (hg19) VCF-style: chr16-27460036-G-A.
Other names: c.1049G>A, p.Ser350Asn (NM_021798.4); c.1115G>A, p.Ser372Asn (NM_181079.5); short protein forms S372N, S350N.
Identifiers: ClinVar variation 661497 (VCV000661497.9), dbSNP rs752397166, ClinGen allele CA395307086.

ClinVar aggregate classification (germline): Uncertain significance (1 of 4 stars; one submission).

Conditions:
Cryptosporidiosis-chronic cholangitis-liver disease syndrome. Also called: IL21R immunodeficiency; Immunodeficiency type 56. Identifiers: Orphanet 357329, MedGen C3554687, MONDO:0014082, OMIM 615207.

gnomAD v4.1: 3 of 1,613,348 alleles (0.00019%); highest among the groups gnomAD compares: Non-Finnish European, 0.00025%; no homozygotes.

Submission:

Labcorp Genetics (formerly Invitae), Labcorp
Classification: Uncertain significance for Cryptosporidiosis-chronic cholangitis-liver disease syndrome. Last evaluated: 2018-10-11. Review status: criteria provided, single submitter. Criteria: Invitae Variant Classification Sherloc (09022015). Collection method: clinical testing. Allele origin: germline.
Comment: This sequence change replaces serine with asparagine at codon 350 of the IL21R protein (p.Ser350Asn). The serine residue is weakly conserved and there is a small physicochemical difference between serine and asparagine. This variant is not present in population databases (ExAC no frequency). This variant has not been reported in the literature in individuals with IL21R-related disease. Algorithms developed to predict the effect of missense changes on protein structure and function (SIFT, PolyPhen-2, Align-GVGD) all suggest that this variant is likely to be tolerated, but these predictions have not been confirmed by published functional studies and their clinical significance is uncertain. In summary, the available evidence is currently insufficient to determine the role of this variant in disease. Therefore, it has been classified as a Variant of Uncertain Significance.